The following is an entry in ClinVar:

NM_001142800.2(EYS):c.7200T>G (p.Tyr2400Ter)

Gene: EYS (EGF-like photoreceptor maintenance factor; minus strand). Cytogenetic location: 6q12.
Variant type: single nucleotide variant.
Coding change: c.7200T>G on transcript NM_001142800.2 (MANE Select); coding-DNA position 7200, T replaced by G.
Protein change: p.Tyr2400Ter; replaces tyrosine 2400 with a stop codon.
Molecular consequence: nonsense.
Genome position (GRCh38, 1-based): chr6:63,864,214, A>C on the plus strand (T>G on the coding strand, the complement: EYS is on the minus strand). VCF-style: chr6-63864214-A-C. GRCh37 (hg19) VCF-style: chr6-64574107-A-C.
Other names: c.7200T>G, p.Tyr2400Ter (NM_001292009.2); short protein forms Y2400*.
Identifiers: ClinVar variation 4814655 (VCV004814655.1).
Genomic context (GRCh38, chr6:63,864,214, plus strand): 5'-GTGCTCCATGTTTAATAATCAAATGCTCTTACCATCAGTGCAGAGGGGTCCAGACCTCCC[A>C]TATGGGCAGAGGCAGACAATATCTGTTCCGGATTTTGGAACACAGGTGGCACCATTTCCA-3'

ClinVar aggregate classification (germline): Likely pathogenic (1 of 4 stars; one submission).

Conditions:
Retinitis pigmentosa 25 (RP25). Identifiers: Orphanet 791, MedGen C1864446, MONDO:0011272, OMIM 602772.

gnomAD v4.1: 1 of 1,546,884 alleles (0.000065%); highest among the groups gnomAD compares: Non-Finnish European, 0.000087%; no homozygotes.

Submission:

Natera, Inc.
Classification: Likely pathogenic for Retinitis pigmentosa type 25. Last evaluated: 2024-05-16. Review status: criteria provided, single submitter. Criteria: Natera Variant Classification Schema (03/2026). Collection method: clinical testing. Allele origin: germline.
Comment: The c.7200T>G variant in EYS is a nonsense variant predicted to introduce a stop codon at amino acid 2400. This variant is expected to result in nonsense mediated decay, truncation, or a dysfunctional protein product. This variant is rare in the general population with a frequency below the threshold expected for the associated phenotype(s). Given the available evidence, this variant is classified as Likely Pathogenic.